The following is an entry in ClinVar:

ClinVar aggregate classification (germline): Uncertain significance. Review status: criteria provided, multiple submitters, no conflicts (2 of 4 stars). 3 submissions from 3 submitters: Uncertain significance (2). 1 of the submissions does not count toward it. Last evaluated 2025-09-25.

Conditions:
Hereditary cancer-predisposing syndrome. Also called: Neoplastic Syndromes, Hereditary; Tumor predisposition; Hereditary neoplastic syndrome; Hereditary Cancer Syndrome. Identifiers: Orphanet 140162, MedGen C0027672, MeSH D009386, MONDO:0015356.
Prostate cancer, hereditary, 1 (HPC1). Identifiers: Orphanet 1331, MedGen C4722327, MONDO:0011098, OMIM 601518.

Submissions (3):

Ambry Genetics
Classification: Uncertain significance for Hereditary cancer-predisposing syndrome. Last evaluated: 2025-09-25. Review status: criteria provided, single submitter. Criteria: Ambry Variant Classification Scheme 2023. Collection method: clinical testing. Allele origin: germline.
Comment: The p.H36P variant (also known as c.107A>C), located in coding exon 1 of the HOXB13 gene, results from an A to C substitution at nucleotide position 107. The histidine at codon 36 is replaced by proline, an amino acid with similar properties. This amino acid position is conserved. In addition, the in silico prediction for this alteration is inconclusive. Based on the available evidence, the clinical significance of this variant remains unclear.

Labcorp Genetics (formerly Invitae), Labcorp
Classification: Uncertain significance. Last evaluated: 2024-05-06. Review status: criteria provided, single submitter. Criteria: Invitae Variant Classification Sherloc (09022015). Collection method: clinical testing. Allele origin: germline.
Comment: This sequence change replaces histidine, which is basic and polar, with proline, which is neutral and non-polar, at codon 36 of the HOXB13 protein (p.His36Pro). This variant is not present in population databases (gnomAD no frequency). This variant has not been reported in the literature in individuals affected with HOXB13-related conditions. ClinVar contains an entry for this variant (Variation ID: 690526). An algorithm developed to predict the effect of missense changes on protein structure and function (PolyPhen-2) suggests that this variant is likely to be tolerated. In summary, the available evidence is currently insufficient to determine the role of this variant in disease. Therefore, it has been classified as a Variant of Uncertain Significance.

Laboratory of Virology, Microbiology,  Quality and Medical Biotechnologies, Faculty of Sciences and Techniques - Mohammedia, Hassan II University of Casablanca
Classification: Uncertain significance for Prostate cancer, hereditary, 1. Review status: no assertion criteria provided. Collection method: clinical testing. Allele origin: somatic. Affected: yes. Not counted in ClinVar's aggregate classification.

NM_006361.6(HOXB13):c.107A>C (p.His36Pro)

Gene: HOXB13 (homeobox B13; minus strand). Cytogenetic location: 17q21.32.
Variant type: single nucleotide variant.
Coding change: c.107A>C on transcript NM_006361.6 (MANE Select); coding-DNA position 107, A replaced by C.
Protein change: p.His36Pro; replaces histidine 36 with proline.
Molecular consequence: missense variant.
Genome position (GRCh38, 1-based): chr17:48,728,487, T>G on the plus strand (A>C on the coding strand, the complement: HOXB13 is on the minus strand). VCF-style: chr17-48728487-T-G. GRCh37 (hg19) VCF-style: chr17-46805849-T-G.
Other names: short protein forms H36P.
Identifiers: ClinVar variation 690526 (VCV000690526.10), dbSNP rs1597935095, ClinGen allele CA400109310.
Genomic context (GRCh38, chr17:48,728,487, plus strand): 5'-GAGCCTGGCAGATCCAAGGGGGCATAGTTGACAGCAGGCATCAGCGTAGGCGCCGCTGGG[T>G]GGCTGGTCAGAGGGGAGTGGGCGACCAGATTCCGCCCCCCTCCCGCTCCCAGCAAGCCTT-3'
Protein context (NP_006352.2, residues 26-46): NLVAHSPLTS[His36Pro]PAAPTLMPAV